The following is an entry in ClinVar:

NM_000388.4(CASR):c.548T>C (p.Phe183Ser)

Gene: CASR (calcium sensing receptor; plus strand). Cytogenetic location: 3q21.1.
Variant type: single nucleotide variant.
Coding change: c.548T>C on transcript NM_000388.4 (MANE Select); coding-DNA position 548, T replaced by C.
Protein change: p.Phe183Ser; replaces phenylalanine 183 with serine.
Molecular consequence: missense variant.
Genome position (GRCh38, 1-based): chr3:122,261,583, T>C. VCF-style: chr3-122261583-T-C. GRCh37 (hg19) VCF-style: chr3-121980430-T-C.
Other names: c.548T>C, p.Phe183Ser (NM_001178065.2); short protein forms F183S.
Identifiers: ClinVar variation 420969 (VCV000420969.15), dbSNP rs1064794824, ClinGen allele CA16617813.

ClinVar aggregate classification (germline): Uncertain significance. Review status: criteria provided, multiple submitters, no conflicts (2 of 4 stars). 4 submissions from 4 submitters: Uncertain significance (3). 1 of the submissions does not count toward it. Last evaluated 2024-07-16.

Conditions:
Familial hypocalciuric hypercalcemia 1. Also called: Hypercalcemia, familial benign type 1. Identifiers: Orphanet 405, Orphanet 93372, MedGen C0342637, MONDO:0007791, OMIM 145980.
Familial hypocalciuric hypercalcemia (FHH). Also called: Familial benign hypercalcemia. Identifiers: Orphanet 405, MedGen C1809471, MONDO:0018458.
Autosomal dominant hypocalcemia 1 (HYPOC1). Also called: HYPOCALCEMIA, FAMILIAL. Identifiers: MedGen C3715128, MONDO:0011013, OMIM 601198.

Allele frequency attached by ClinVar (database versions not stated): gnomAD 0.00001.
gnomAD v4.1: 1 of 1,614,078 alleles (0.000062%); highest among the groups gnomAD compares: Admixed American, 0.0017%; no homozygotes.

Submissions (4):

Women's Health and Genetics/Laboratory Corporation of America, LabCorp
Classification: Uncertain significance. Last evaluated: 2024-07-16. Review status: criteria provided, single submitter. Criteria: LabCorp Variant Classification Summary - May 2015. Collection method: clinical testing. Allele origin: germline.
Comment: Variant summary: CASR c.548T>C (p.Phe183Ser) results in a non-conservative amino acid change located in the Receptor, ligand binding region (IPR001828) of the encoded protein sequence. Five of five in-silico tools predict a damaging effect of the variant on protein function. The variant was absent in 251240 control chromosomes. The available data on variant occurrences in the general population are insufficient to allow any conclusion about variant significance. To our knowledge, no occurrence of c.548T>C in individuals affected with Autosomal Dominant Hypocalcemia and no experimental evidence demonstrating its impact on protein function have been reported. ClinVar contains an entry for this variant (Variation ID: 420969). Based on the evidence outlined above, the variant was classified as uncertain significance.

Labcorp Genetics (formerly Invitae), Labcorp
Classification: Uncertain significance for Familial hypocalciuric hypercalcemia; Autosomal dominant hypocalcemia 1. Last evaluated: 2024-04-16. Review status: criteria provided, single submitter. Criteria: Invitae Variant Classification Sherloc (09022015). Collection method: clinical testing. Allele origin: germline.
Comment: This sequence change replaces phenylalanine, which is neutral and non-polar, with serine, which is neutral and polar, at codon 183 of the CASR protein (p.Phe183Ser). This variant is not present in population databases (gnomAD no frequency). This variant has not been reported in the literature in individuals affected with CASR-related conditions. ClinVar contains an entry for this variant (Variation ID: 420969). An algorithm developed to predict the effect of missense changes on protein structure and function (PolyPhen-2) suggests that this variant is likely to be disruptive. In summary, the available evidence is currently insufficient to determine the role of this variant in disease. Therefore, it has been classified as a Variant of Uncertain Significance.

GeneDx
Classification: Uncertain significance. Last evaluated: 2016-04-20. Review status: criteria provided, single submitter. Criteria: GeneDx Variant Classification (06012015). Collection method: clinical testing. Allele origin: germline. Affected: yes.
Comment: A variant of uncertain significance has been identified in the CASR gene. The F183S variant has not been published as a pathogenic variant, nor has it been reported as a benign variant to our knowledge. The variant was not observed in approximately 6,500 individuals of European and African American ancestry in the NHLBI Exome Sequencing Project, indicating it is not a common benign variant in these populations. F183S is a non-conservative amino acid substitution, which is likely to impact secondary protein structure as these residues differ in polarity, charge, size and/or other properties. This substitution occurs at a position that is conserved across species, and in silico analysis predicts this variant is probably damaging to the protein structure/function. Therefore, based on the currently available information, it is unclear whether this variant is a pathogenic variant or a rare benign variant.

Cardiovascular Genetics Laboratory, PathWest Laboratory Medicine WA - Fiona Stanley Hospital
Classification: Likely pathogenic for Familial hypocalciuric hypercalcemia 1. Last evaluated: 2022-01-05. Review status: no assertion criteria provided. Criteria: ACMG Guidelines, 2015. Collection method: clinical testing. Allele origin: germline. Not counted in ClinVar's aggregate classification.